The following is an entry in ClinVar:

ClinVar aggregate classification (germline): Uncertain significance (1 of 4 stars; one submission).

Conditions:
Primary ciliary dyskinesia. Also called: Ciliary dyskinesia. Identifiers: Orphanet 244, MedGen C0008780, MONDO:0016575, HP:0012265.

Submission:

Labcorp Genetics (formerly Invitae), Labcorp
Classification: Uncertain significance for Primary ciliary dyskinesia. Last evaluated: 2022-08-19. Review status: criteria provided, single submitter. Criteria: Invitae Variant Classification Sherloc (09022015). Collection method: clinical testing. Allele origin: germline.
Comment: In summary, the available evidence is currently insufficient to determine the role of this variant in disease. Therefore, it has been classified as a Variant of Uncertain Significance. Algorithms developed to predict the effect of sequence changes on RNA splicing suggest that this variant may disrupt the consensus splice site. This variant has not been reported in the literature in individuals affected with CCDC39-related conditions. This variant is not present in population databases (gnomAD no frequency). This sequence change falls in intron 19 of the CCDC39 gene. It does not directly change the encoded amino acid sequence of the CCDC39 protein.

NM_181426.2(CCDC39):c.2670-10T>G

Genes: CCDC39 (coiled-coil domain 39 molecular ruler complex subunit; minus strand), TTC14 (tetratricopeptide repeat domain 14; plus strand). Cytogenetic location: 3q26.33.
Variant type: single nucleotide variant.
Coding change: c.2670-10T>G on transcript NM_181426.2 (MANE Select); 10 bases into the intron before coding-DNA position 2670, T replaced by G.
Molecular consequence: intron variant.
Genome position (GRCh38, 1-based): chr3:180,615,087, A>C on the plus strand (T>G on the coding strand, the complement: CCDC39 is on the minus strand). VCF-style: chr3-180615087-A-C. GRCh37 (hg19) VCF-style: chr3-180332875-A-C.
Other names: c.1775-2293A>C (NM_001288582.2).
Identifiers: ClinVar variation 1966163 (VCV001966163.5), dbSNP rs2473773730, ClinGen allele CA2580069108.